The following is an entry in ClinVar:

ClinVar aggregate classification (germline): Benign/Likely benign. Review status: criteria provided, multiple submitters, no conflicts (2 of 4 stars). 4 submissions from 4 submitters: Benign (1); Likely benign (3). Last evaluated 2025-08-18.

Conditions:
Hereditary cancer-predisposing syndrome. Also called: Neoplastic Syndromes, Hereditary; Tumor predisposition; Hereditary neoplastic syndrome; Hereditary Cancer Syndrome. Identifiers: Orphanet 140162, MedGen C0027672, MeSH D009386, MONDO:0015356.
Familial cancer of breast. Also called: BREAST CANCER, FAMILIAL; hereditary breast carcinoma; Hereditary breast cancer. Identifiers: Orphanet 227535, MedGen C0346153, MONDO:0016419, OMIM 114480. Disease mechanism: loss of function.

Allele frequency attached by ClinVar (database versions not stated): ExAC 0.00002.

Submissions (4):

Labcorp Genetics (formerly Invitae), Labcorp
Classification: Likely benign for Familial cancer of breast. Last evaluated: 2025-08-18. Review status: criteria provided, single submitter. Criteria: Invitae Variant Classification Sherloc (09022015). Collection method: clinical testing. Allele origin: germline.

Color Diagnostics, LLC DBA Color Health
Classification: Likely benign for Hereditary cancer-predisposing syndrome. Last evaluated: 2024-07-29. Review status: criteria provided, single submitter. Criteria: ACMG Guidelines, 2015. Collection method: clinical testing. Allele origin: germline.

Myriad Genetics, Inc.
Classification: Benign for Familial cancer of breast. Last evaluated: 2024-07-18. Review status: criteria provided, single submitter. Criteria: Myriad Autosomal Dominant, Autosomal Recessive and X-Linked Classification Criteria (2023). Collection method: clinical testing. Allele origin: unknown.
Comment: This variant is considered benign. This variant is a silent/synonymous amino acid change and it is not expected to impact splicing.

Ambry Genetics
Classification: Likely benign for Hereditary cancer-predisposing syndrome. Last evaluated: 2021-11-10. Review status: criteria provided, single submitter. Criteria: Ambry Variant Classification Scheme 2023. Collection method: clinical testing. Allele origin: germline.

NM_000465.4(BARD1):c.84G>A (p.Pro28=)

Gene: BARD1 (BRCA1 associated RING domain 1; minus strand). Cytogenetic location: 2q35.
Variant type: single nucleotide variant.
Coding change: c.84G>A on transcript NM_000465.4 (MANE Select); coding-DNA position 84, G replaced by A.
Protein change: p.Pro28=; no amino-acid change (proline 28 retained).
Molecular consequence: synonymous variant. On other transcripts: non-coding transcript variant (3).
Genome position (GRCh38, 1-based): chr2:214,809,486, C>T on the plus strand (G>A on the coding strand, the complement: BARD1 is on the minus strand). VCF-style: chr2-214809486-C-T. GRCh37 (hg19) VCF-style: chr2-215674210-C-T.
Other names: c.84G>A, p.Pro28= (NM_001282543.2, NM_001282545.2, NM_001282548.2 and 1 more transcripts).
Identifiers: ClinVar variation 662817 (VCV000662817.12), dbSNP rs746695035, ClinGen allele CA2090520.
Genomic context (GRCh38, chr2:214,809,486, plus strand): 5'-CAGCAGCTTCTCCAGGCGGTCGAGCGCGGCGCGACTGTGGGCCCAGGCACCGCGACCATC[C>T]GGTTCCATGGCGGGCGCGGAACGAGGCTCGTTCCCGGAGCGGATCCTCGGCTGCCGGTTC-3'
Protein context (NP_000456.2, residues 18-38): NEPRSAPAME[Pro28=]DGRGAWAHSR